The following is an entry in ClinVar:

ClinVar aggregate classification (germline): Likely pathogenic (1 of 4 stars; one submission).

Submission:

GeneDx
Classification: Likely pathogenic. Last evaluated: 2022-04-26. Review status: criteria provided, single submitter. Criteria: GeneDx Variant Classification Process June 2021. Collection method: clinical testing. Allele origin: germline. Affected: yes.
Comment: Frameshift variant predicted to result in protein truncation or nonsense mediated decay in a gene for which loss of function is a known mechanism of disease; Not observed at significant frequency in large population cohorts (gnomAD); Has not been previously published as pathogenic or benign to our knowledge

NM_001039141.3(TRIOBP):c.5305del (p.Val1769fs)

Gene: TRIOBP (TRIO and F-actin binding protein; plus strand). Cytogenetic location: 22q13.1.
Variant type: Deletion.
Coding change: c.5305del on transcript NM_001039141.3 (MANE Select); coding-DNA position 5305, one base deleted (G; older notation c.5305delG).
Protein change: p.Val1769fs; shifts the reading frame from valine 1769.
Molecular consequence: frameshift variant.
Genome position (GRCh38, 1-based): chr22:37,741,015, G deleted; the last of 5 consecutive G bases (chr22:37,741,011-37,741,015); deleting any one gives the same sequence. VCF-style (leftmost placement, unchanged base first): chr22-37741010-TG-T. GRCh37 (hg19) VCF-style: chr22-38137017-TG-T.
Other names: short protein forms V1769fs.
Identifiers: ClinVar variation 1712723 (VCV001712723.2), dbSNP rs1569049136, ClinGen allele CA639197924.